The following is an entry in ClinVar:

NM_001142800.2(EYS):c.387A>G (p.Arg129=)

Gene: EYS (EGF-like photoreceptor maintenance factor; minus strand). Cytogenetic location: 6q12.
Variant type: single nucleotide variant.
Coding change: c.387A>G on transcript NM_001142800.2 (MANE Select); coding-DNA position 387, A replaced by G.
Protein change: p.Arg129=; no amino-acid change (arginine 129 retained).
Molecular consequence: synonymous variant.
Genome position (GRCh38, 1-based): chr6:65,495,024, T>C on the plus strand (A>G on the coding strand, the complement: EYS is on the minus strand). VCF-style: chr6-65495024-T-C. GRCh37 (hg19) VCF-style: chr6-66204917-T-C.
Other names: c.387A>G, p.Arg129= (NM_001142801.2, NM_001292009.2, NM_198283.2); c.387A>G (NM_001142800.1).
Identifiers: ClinVar variation 1606651 (VCV001606651.9), dbSNP rs751895367, ClinGen allele CA3878081.

ClinVar aggregate classification (germline): Likely benign. Review status: criteria provided, multiple submitters, no conflicts (2 of 4 stars). 2 submissions from 2 submitters: Likely benign (2). Last evaluated 2025-07-31.

Conditions:
EYS-related disorder. Also called: EYS-related condition.

Allele frequency attached by ClinVar (database versions not stated): ExAC 0.00001.
gnomAD v4.1: 1 of 1,614,228 alleles (0.000062%); highest among the groups gnomAD compares: South Asian, 0.0011%; no homozygotes.

Submissions (2):

PreventionGenetics, part of Exact Sciences
Classification: Likely benign for EYS-related condition. Last evaluated: 2025-07-31. Review status: criteria provided, single submitter. Criteria: ACMG Guidelines, 2015. Collection method: clinical testing. Allele origin: germline.
Comment: This variant is classified as likely benign based on ACMG/AMP sequence variant interpretation guidelines (Richards et al. 2015 PMID: 25741868, with internal and published modifications).

Labcorp Genetics (formerly Invitae), Labcorp
Classification: Likely benign. Last evaluated: 2024-07-22. Review status: criteria provided, single submitter. Criteria: Invitae Variant Classification Sherloc (09022015). Collection method: clinical testing. Allele origin: germline.